The following is an entry in ClinVar:

ClinVar aggregate classification (germline): Benign/Likely benign. Review status: criteria provided, multiple submitters, no conflicts (2 of 4 stars). 5 submissions from 5 submitters: Benign (4); Likely benign (1). Last evaluated 2026-02-04.

Conditions:
Phosphoenolpyruvate carboxykinase deficiency, cytosolic (PCKDC). Also called: PCK1 DEFICIENCY, CYTOSOLIC; PEPCK DEFICIENCY, CYTOSOLIC. Identifiers: Orphanet 2880, MedGen C5574905, MONDO:0009866, OMIM 261680.

Allele frequency attached by ClinVar (database versions not stated): 1000 Genomes Project 0.08606; 1000 Genomes Project 30x 0.08791; TOPMed 0.13097; gnomAD 0.14510 and 0.14626; ESP Exome Variant Server 0.14624; gnomAD exomes 0.16374 and 0.18760; ExAC 0.16768.
gnomAD v4.1: 294,205 of 1,609,592 alleles (18%); highest among the groups gnomAD compares: Non-Finnish European, 20%; 29,379 homozygotes.

Submissions (5):

Labcorp Genetics (formerly Invitae), Labcorp
Classification: Benign. Last evaluated: 2026-02-04. Review status: criteria provided, single submitter. Criteria: Invitae Variant Classification Sherloc (09022015). Collection method: clinical testing. Allele origin: germline.

Blueprint Genetics
Classification: Likely benign. Last evaluated: 2024-11-28. Review status: criteria provided, single submitter. Criteria: ACMG Guidelines, 2015. Collection method: clinical testing. Allele origin: germline.

GeneDx
Classification: Benign. Last evaluated: 2021-04-15. Review status: criteria provided, single submitter. Criteria: GeneDx Variant Classification Process June 2021. Collection method: clinical testing. Allele origin: germline. Affected: yes.

Illumina Laboratory Services, Illumina
Classification: Benign for Phosphoenolpyruvate carboxykinase deficiency, cytosolic. Last evaluated: 2018-01-13. Review status: criteria provided, single submitter. Criteria: ICSL Variant Classification Criteria 13 December 2019. Collection method: clinical testing. Allele origin: germline.
Comment: This variant was observed in the ICSL laboratory as part of a predisposition screen in an ostensibly healthy population. It had not been previously curated by ICSL or reported in the Human Gene Mutation Database (HGMD: prior to June 1st, 2018), and was therefore a candidate for classification through an automated scoring system. Utilizing variant allele frequency, disease prevalence and penetrance estimates, and inheritance mode, an automated score was calculated to assess if this variant is too frequent to cause the disease. Based on the score and internal cut-off values, a variant classified as benign is not then subjected to further curation. The score for this variant resulted in a classification of benign for this disease.

Breakthrough Genomics
Classification: Benign. Review status: criteria provided, single submitter. Criteria: ACMG Guidelines, 2015. Collection method: not provided. Allele origin: germline. Inheritance: Autosomal recessive inheritance. Affected: yes.

NM_002591.4(PCK1):c.826G>A (p.Glu276Lys)

Gene: PCK1 (phosphoenolpyruvate carboxykinase 1; plus strand). Cytogenetic location: 20q13.31.
Variant type: single nucleotide variant.
Coding change: c.826G>A on transcript NM_002591.4 (MANE Select); coding-DNA position 826, G replaced by A.
Protein change: p.Glu276Lys; replaces glutamic acid 276 with lysine.
Molecular consequence: missense variant.
Genome position (GRCh38, 1-based): chr20:57,563,592, G>A. VCF-style: chr20-57563592-G-A. GRCh37 (hg19) VCF-style: chr20-56138648-G-A.
Other names: short protein forms E276K.
Identifiers: ClinVar variation 338883 (VCV000338883.16), dbSNP rs11552145, ClinGen allele CA9922176.